The following is an entry in ClinVar:

ClinVar aggregate classification (germline): Pathogenic/Likely pathogenic. Review status: criteria provided, multiple submitters, no conflicts (2 of 4 stars). 4 submissions from 4 submitters: Pathogenic (1); Likely pathogenic (3). Last evaluated 2025-12-23.

Conditions:
CLN3-related disorders.
Juvenile neuronal ceroid lipofuscinosis. Also called: Batten Disease. Identifiers: Orphanet 79264, MedGen CN293564, MONDO:0019262.
Neuronal ceroid lipofuscinosis 3 (CLN3). Identifiers: Orphanet 228346, MedGen C0751383, MONDO:0008767, OMIM 204200.
Neuronal ceroid lipofuscinosis. Also called: Neuronal Ceroid Lipofuscinoses. Identifiers: Orphanet 216, Orphanet 79263, MedGen C0027877, MONDO:0016295. Disease mechanism: loss of function.

Submissions (4):

Labcorp Genetics (formerly Invitae), Labcorp
Classification: Pathogenic for Neuronal ceroid lipofuscinosis. Last evaluated: 2025-12-23. Review status: criteria provided, single submitter. Criteria: Invitae Variant Classification Sherloc (09022015). Collection method: clinical testing. Allele origin: germline.
Comment: This sequence change creates a premature translational stop signal (p.Arg127Profs*33) in the CLN3 gene. It is expected to result in an absent or disrupted protein product. Loss-of-function variants in CLN3 are known to be pathogenic (PMID: 9311735, 28542676). This variant is not present in population databases (gnomAD no frequency). This variant has not been reported in the literature in individuals affected with CLN3-related conditions. ClinVar contains an entry for this variant (Variation ID: 2680813). For these reasons, this variant has been classified as Pathogenic.

Natera, Inc.
Classification: Likely pathogenic for Batten Disease. Last evaluated: 2025-03-17. Review status: criteria provided, single submitter. Criteria: Natera Variant Classification Schema (03/2026). Collection method: clinical testing. Allele origin: germline.
Comment: The c.379dupC variant in CLN3 is a frameshift variant predicted to shift the reading frame beginning at codon 127 and leads to a stop codon 33 codons downstream. This variant is expected to result in nonsense mediated decay, truncation, or a dysfunctional protein product. This variant is rare in the general population with a frequency below the threshold expected for the associated phenotype(s). Given the available evidence, this variant is classified as Likely Pathogenic.

Baylor Genetics
Classification: Likely pathogenic for Neuronal ceroid lipofuscinosis 3. Last evaluated: 2023-10-09. Review status: criteria provided, single submitter. Criteria: ACMG Guidelines, 2015. Collection method: clinical testing. Allele origin: unknown.

Blueprint Genetics
Classification: Likely pathogenic for CLN3-related disorders. Last evaluated: 2020-05-26. Review status: criteria provided, single submitter. Criteria: ACMG Guidelines, 2015. Collection method: clinical testing. Allele origin: germline. Affected: yes. Observed: 2 variant alleles.

Literature cited by the submitters: PubMed 9311735 (cited by Labcorp Genetics (formerly Invitae), Labcorp); PubMed 28542676 (cited by Labcorp Genetics (formerly Invitae), Labcorp).

NM_001042432.2(CLN3):c.379dup (p.Arg127fs)

Gene: CLN3 (CLN3 lysosomal/endosomal transmembrane protein, battenin; minus strand). Cytogenetic location: 16p12.1.
Variant type: Duplication.
Coding change: c.379dup on transcript NM_001042432.2 (MANE Select); coding-DNA position 379, one base duplicated (C; older notation c.379dupC).
Protein change: p.Arg127fs; shifts the reading frame from arginine 127.
Molecular consequence: frameshift variant.
Genome position (GRCh38, 1-based): chr16:28,487,537, G duplicated on the plus strand (C on the coding strand, the reverse complement: CLN3 is on the minus strand); the first of 5 consecutive G bases (chr16:28,487,537-28,487,541); duplicating any one gives the same sequence. VCF-style (leftmost placement, unchanged base first): chr16-28487536-C-CG. GRCh37 (hg19) VCF-style: chr16-28498857-C-CG.
Other names: c.379dupC (NM_000086.2); c.379dup, p.Arg127fs (NM_000086.2); c.307dup, p.Arg103fs (NM_001286104.2); c.79dup, p.Arg27fs (NM_001286105.2); c.145dup, p.Arg49fs (NM_001286109.2); c.217dup, p.Arg73fs (NM_001286110.2); short protein forms R103fs, R127fs, R27fs, R49fs, R73fs.
Identifiers: ClinVar variation 2680813 (VCV002680813.4), dbSNP rs386833717, ClinGen allele CA645580625.